The following is an entry in ClinVar:

ClinVar aggregate classification (germline): Pathogenic. Review status: criteria provided, multiple submitters, no conflicts (2 of 4 stars). 2 submissions from 2 submitters: Pathogenic (2). Last evaluated 2023-09-27.

Conditions:
Alport syndrome. Also called: Hemorrhagic familial nephritis; Hemorrhagic hereditary nephritis; Congenital hereditary hematuria. Identifiers: Orphanet 63, MedGen C1567741, MONDO:0018965.

Submissions (2):

Myriad Genetics, Inc.
Classification: Pathogenic for Alport syndrome. Last evaluated: 2023-09-27. Review status: criteria provided, single submitter. Criteria: Myriad Autosomal Dominant, Autosomal Recessive and X-Linked Classification Criteria (2023). Collection method: clinical testing. Allele origin: unknown.
Comment: NM_000091.4(COL4A3):c.1908dupC(G637Rfs*9) is expected to be pathogenic in the context of Alport syndrome, COL4A3-related. This variant is predicted to lead to an abnormal or absent protein product due to the creation of a premature termination codon in COL4A3, a gene where loss-of-function variants are known to be pathogenic. Please note: this variant was assessed in the context of healthy population screening.

Labcorp Genetics (formerly Invitae), Labcorp
Classification: Pathogenic. Last evaluated: 2020-11-15. Review status: criteria provided, single submitter. Criteria: Invitae Variant Classification Sherloc (09022015). Collection method: clinical testing. Allele origin: germline.
Comment: This variant has not been reported in the literature in individuals with COL4A3-related conditions. This sequence change creates a premature translational stop signal (p.Gly637Argfs*9) in the COL4A3 gene. It is expected to result in an absent or disrupted protein product. Loss-of-function variants in COL4A3 are known to be pathogenic (PMID: 8956999, 24854265, 26809805, 27281700). This variant is not present in population databases (ExAC no frequency). For these reasons, this variant has been classified as Pathogenic.

Literature cited by the submitters: PubMed 8956999 (cited by Labcorp Genetics (formerly Invitae), Labcorp); PubMed 24854265 (cited by Labcorp Genetics (formerly Invitae), Labcorp); PubMed 26809805 (cited by Labcorp Genetics (formerly Invitae), Labcorp); PubMed 27281700 (cited by Labcorp Genetics (formerly Invitae), Labcorp).

NM_000091.5(COL4A3):c.1908dup (p.Gly637fs)

Genes: COL4A3 (collagen type IV alpha 3 chain; plus strand), MFF-DT (MFF divergent transcript; minus strand). Cytogenetic location: 2q36.3.
Variant type: Duplication.
Coding change: c.1908dup on transcript NM_000091.5 (MANE Select); coding-DNA position 1908, one base duplicated (C; older notation c.1908dupC).
Protein change: p.Gly637fs; shifts the reading frame from glycine 637.
Molecular consequence: frameshift variant.
Genome position (GRCh38, 1-based): chr2:227,273,098, C duplicated; the last of 5 consecutive C bases (chr2:227,273,094-227,273,098); duplicating any one gives the same sequence. VCF-style (leftmost placement, unchanged base first): chr2-227273093-G-GC. GRCh37 (hg19) VCF-style: chr2-228137809-G-GC.
Other names: short protein forms G637fs.
Identifiers: ClinVar variation 1456910 (VCV001456910.7), dbSNP rs2125996634, ClinGen allele CA2573135514.